The following is an entry in ClinVar:

ClinVar aggregate classification (germline): Likely pathogenic (1 of 4 stars; one submission).

Allele frequency attached by ClinVar (database versions not stated): ExAC 0.00001; gnomAD exomes 0.00001.

Submission:

Labcorp Genetics (formerly Invitae), Labcorp
Classification: Likely pathogenic. Last evaluated: 2019-10-07. Review status: criteria provided, single submitter. Criteria: Invitae Variant Classification Sherloc (09022015). Collection method: clinical testing. Allele origin: germline.
Comment: This variant has not been reported in the literature in individuals with NPHS1-related conditions. In summary, the currently available evidence indicates that the variant is pathogenic, but additional data are needed to prove that conclusively. Therefore, this variant has been classified as Likely Pathogenic. Donor and acceptor splice site variants typically lead to a loss of protein function (PMID: 16199547), and loss-of-function variants in NPHS1 are known to be pathogenic (PMID: 11317351, 11854170, 12039988). Algorithms developed to predict the effect of sequence changes on RNA splicing suggest that this variant may disrupt the consensus splice site, but this prediction has not been confirmed by published transcriptional studies. This variant is present in population databases (rs765534006, ExAC 0.001%). This sequence change affects a donor splice site in intron 22 of the NPHS1 gene. It is expected to disrupt RNA splicing and likely results in an absent or disrupted protein product.

Literature cited by the submitters: PubMed 16199547; PubMed 11317351; PubMed 11854170; PubMed 12039988.

NM_004646.4(NPHS1):c.3109+2T>G

Gene: NPHS1 (NPHS1 adhesion molecule, nephrin; minus strand). Cytogenetic location: 19q13.12.
Variant type: single nucleotide variant.
Coding change: c.3109+2T>G on transcript NM_004646.4 (MANE Select); the canonical splice donor site of the intron after coding-DNA position 3109, T replaced by G.
Molecular consequence: splice donor variant.
Genome position (GRCh38, 1-based): chr19:35,839,235, A>C on the plus strand (T>G on the coding strand, the complement: NPHS1 is on the minus strand). VCF-style: chr19-35839235-A-C. GRCh37 (hg19) VCF-style: chr19-36330137-A-C.
Identifiers: ClinVar variation 936177 (VCV000936177.8), dbSNP rs765534006, ClinGen allele CA9389929.